The following is an entry in ClinVar:

ClinVar aggregate classification (germline): Conflicting classifications of pathogenicity. Review status: criteria provided, conflicting classifications (1 of 4 stars). 3 submissions from 3 submitters: Uncertain significance (1); Likely benign (2). Last evaluated 2026-04-27.

Conditions:
Hypertrophic cardiomyopathy 2. Also called: TNNT2-Related Familial Hypertrophic Cardiomyopathy. Identifiers: MedGen C1861864, MONDO:0007266, OMIM 115195.
Cardiomyopathy, familial restrictive, 3. Identifiers: Orphanet 75249, MedGen C2676271, MONDO:0012900, OMIM 612422.
Dilated cardiomyopathy 1D. Identifiers: Orphanet 154, Orphanet 54260, MedGen C1832243, MONDO:0011095, OMIM 601494.
Cardiomyopathy (CMYO). Also called: Cardiomyopathies. Identifiers: Orphanet 167848, MedGen C0878544, MONDO:0004994, HP:0001638. Inheritance: Various modes of inheritance.
TNNT2-related disorder. Also called: TNNT2-related condition.

Allele frequency attached by ClinVar (database versions not stated): gnomAD exomes below 0.00001 and 0.00001; ExAC 0.00001; gnomAD 0.00001; TOPMed 0.00002; ESP Exome Variant Server 0.00008.
gnomAD v4.1: 2 of 1,613,496 alleles (0.00012%); highest among the groups gnomAD compares: African/African-American, 0.0027%; no homozygotes.

Submissions (3):

PreventionGenetics, part of Exact Sciences
Classification: Likely benign for TNNT2-related condition. Last evaluated: 2026-04-27. Review status: criteria provided, single submitter. Criteria: ACMG Guidelines, 2015. Collection method: clinical testing. Allele origin: germline.
Comment: This variant is classified as likely benign based on ACMG/AMP sequence variant interpretation guidelines (Richards et al. 2015 PMID: 25741868, with internal and published modifications).

Labcorp Genetics (formerly Invitae), Labcorp
Classification: Uncertain significance for Cardiomyopathy, familial restrictive, 3; Hypertrophic cardiomyopathy 2; Dilated cardiomyopathy 1D. Last evaluated: 2025-12-09. Review status: criteria provided, single submitter. Criteria: Invitae Variant Classification Sherloc (09022015). Collection method: clinical testing. Allele origin: germline.
Comment: This sequence change falls in intron 13 of the TNNT2 gene. It does not directly change the encoded amino acid sequence of the TNNT2 protein. It affects a nucleotide within the consensus splice site. This variant is present in population databases (rs373092494, gnomAD 0.008%). This variant has not been reported in the literature in individuals affected with TNNT2-related conditions. ClinVar contains an entry for this variant (Variation ID: 1020305). Variants that disrupt the consensus splice site are a relatively common cause of aberrant splicing (PMID: 17576681, 9536098). Algorithms developed to predict the effect of sequence changes on RNA splicing suggest that this variant is not likely to affect RNA splicing. In summary, the available evidence is currently insufficient to determine the role of this variant in disease. Therefore, it has been classified as a Variant of Uncertain Significance.

All of Us Research Program, National Institutes of Health
Classification: Likely benign for Cardiomyopathy. Last evaluated: 2023-06-26. Review status: criteria provided, single submitter. Criteria: ACMG Guidelines, 2015. Collection method: clinical testing. Allele origin: germline. Inheritance: Autosomal dominant inheritance. Observed: 1 variant allele, 1 heterozygote.
Comment: This study involves interpretation of variants in research participants for the purpose of population health screening. Participant phenotype was not available at the time of variant classification. Additional details can be found in publication PMID: 35346344, PMCID: PMC8962531

Literature cited by the submitters: PubMed 17576681 (cited by Labcorp Genetics (formerly Invitae), Labcorp); PubMed 9536098 (cited by Labcorp Genetics (formerly Invitae), Labcorp).

NM_001276345.2(TNNT2):c.720-3C>T

Gene: TNNT2 (troponin T2, cardiac type; minus strand). Cytogenetic location: 1q32.1.
Variant type: single nucleotide variant.
Coding change: c.720-3C>T on transcript NM_001276345.2 (MANE Select); 3 bases into the intron before coding-DNA position 720, C replaced by T.
Molecular consequence: intron variant.
Genome position (GRCh38, 1-based): chr1:201,361,372, G>A on the plus strand (C>T on the coding strand, the complement: TNNT2 is on the minus strand). VCF-style: chr1-201361372-G-A. GRCh37 (hg19) VCF-style: chr1-201330500-G-A.
Other names: c.690-3C>T (NM_001001430.2, NM_001001430.3, NM_001276347.2); c.672-3C>T (NM_001001432.3); c.681-3C>T (NM_001001431.3); c.591-3C>T (NM_001276346.2); c.711-3C>T (NM_000364.4).
Identifiers: ClinVar variation 1020305 (VCV001020305.10), dbSNP rs373092494, ClinGen allele CA089172.